The following is an entry in ClinVar:

NM_001429.4(EP300):c.1337G>A (p.Gly446Asp)

Gene: EP300 (E1A binding protein p300; plus strand). Cytogenetic location: 22q13.2.
Variant type: single nucleotide variant.
Coding change: c.1337G>A on transcript NM_001429.4 (MANE Select); coding-DNA position 1337, G replaced by A.
Protein change: p.Gly446Asp; replaces glycine 446 with aspartic acid.
Molecular consequence: missense variant.
Genome position (GRCh38, 1-based): chr22:41,131,442, G>A. VCF-style: chr22-41131442-G-A. GRCh37 (hg19) VCF-style: chr22-41527446-G-A.
Other names: c.1337G>A, p.Gly446Asp (NM_001362843.2); short protein forms G446D.
Identifiers: ClinVar variation 3350013 (VCV003350013.1).

ClinVar aggregate classification (germline): Uncertain significance (0 of 4 stars; one submission).

Conditions:
EP300-related disorder. Also called: EP300-related condition; EP300-related disorders.

gnomAD v4.1: 2 of 1,614,100 alleles (0.00012%); highest among the groups gnomAD compares: Non-Finnish European, 0.00017%; no homozygotes.

Submission:

PreventionGenetics, part of Exact Sciences
Classification: Uncertain significance for EP300-related condition. Last evaluated: 2024-01-24. Review status: no assertion criteria provided. Collection method: clinical testing. Allele origin: germline.
Comment: The EP300 c.1337G>A variant is predicted to result in the amino acid substitution p.Gly446Asp. To our knowledge, this variant has not been reported in the literature or in a large population database, indicating this variant is rare. At this time, the clinical significance of this variant is uncertain due to the absence of conclusive functional and genetic evidence.